The following is an entry in ClinVar:

NM_133433.4(NIPBL):c.2681G>A (p.Arg894His)

Gene: NIPBL (NIPBL cohesin loading factor; plus strand). Cytogenetic location: 5p13.2.
Variant type: single nucleotide variant.
Coding change: c.2681G>A on transcript NM_133433.4 (MANE Select); coding-DNA position 2681, G replaced by A.
Protein change: p.Arg894His; replaces arginine 894 with histidine.
Molecular consequence: missense variant.
Genome position (GRCh38, 1-based): chr5:36,985,861, G>A. VCF-style: chr5-36985861-G-A. GRCh37 (hg19) VCF-style: chr5-36985963-G-A.
Other names: c.2681G>A, p.Arg894His (NM_015384.5); short protein forms R894H.
Identifiers: ClinVar variation 1513479 (VCV001513479.6), dbSNP rs775238155, ClinGen allele CA3236211.
Genomic context (GRCh38, chr5:36,985,861, plus strand): 5'-CAGGGGACTCAAGGGAAAGACCATCTTCTGGGGAACAAAAATCAAGACCTGACAGTCCTC[G>A]TGTTAAACAAGGAGATTCTAATAAATCAAGATCTGATAAACTTGGTTTTAAATCACCAAC-3'
Protein context (NP_597677.2, residues 884-904): GEQKSRPDSP[Arg894His]VKQGDSNKSR

ClinVar aggregate classification (germline): Uncertain significance (1 of 4 stars; one submission).

Conditions:
Cornelia de Lange syndrome 1 (CDLS1). Also called: Brachmann de Lange syndrome; NIPBL-Related Cornelia de Lange Syndrome; TYPUS DEGENERATIVUS AMSTELODAMENSIS. Identifiers: Orphanet 199, MedGen C4551851, MONDO:0007387, OMIM 122470.

Allele frequency attached by ClinVar (database versions not stated): ExAC 0.00001.

Submission:

Labcorp Genetics (formerly Invitae), Labcorp
Classification: Uncertain significance for Cornelia de Lange syndrome 1. Last evaluated: 2025-08-04. Review status: criteria provided, single submitter. Criteria: Invitae Variant Classification Sherloc (09022015). Collection method: clinical testing. Allele origin: germline.
Comment: This sequence change replaces arginine, which is basic and polar, with histidine, which is basic and polar, at codon 894 of the NIPBL protein (p.Arg894His). This variant is present in population databases (rs775238155, gnomAD 0.003%). This missense change has been observed in individual(s) with autism spectrum disorder or neurodevelopmental disorder (PMID: 33057194, 35982159). ClinVar contains an entry for this variant (Variation ID: 1513479). Invitae Evidence Modeling of protein sequence and biophysical properties (such as structural, functional, and spatial information, amino acid conservation, physicochemical variation, residue mobility, and thermodynamic stability) has been performed for this missense variant. However, the output from this modeling did not meet the statistical confidence thresholds required to predict the impact of this variant on NIPBL protein function. In summary, the available evidence is currently insufficient to determine the role of this variant in disease. Therefore, it has been classified as a Variant of Uncertain Significance.

Literature cited by the submitters: PubMed 33057194; PubMed 35982159.